The following is an entry in ClinVar:

ClinVar aggregate classification (germline): Conflicting classifications of pathogenicity. Review status: criteria provided, conflicting classifications (1 of 4 stars). 3 submissions from 3 submitters: Uncertain significance (1); Likely benign (2). Last evaluated 2026-04-01.

Conditions:
Inborn genetic diseases. Identifiers: MedGen C0950123, MeSH D030342.

Allele frequency attached by ClinVar (database versions not stated): gnomAD 0.00001 and 0.00003; gnomAD exomes 0.00002; TOPMed 0.00003; ESP Exome Variant Server 0.00008.
gnomAD v4.1: 72 of 1,582,666 alleles (0.0045%); highest among the groups gnomAD compares: Non-Finnish European, 0.0057%; no homozygotes.

Submissions (3):

CeGaT Center for Human Genetics Tuebingen
Classification: Likely benign. Last evaluated: 2026-04-01. Review status: criteria provided, single submitter. Criteria: CeGaT Center For Human Genetics Tuebingen Variant Classification Criteria Version 2. Collection method: clinical testing. Allele origin: germline. Affected: yes. Observed: 1 variant allele.
Comment: PACS2: BP4, BS2

Labcorp Genetics (formerly Invitae), Labcorp
Classification: Likely benign. Last evaluated: 2026-02-02. Review status: criteria provided, single submitter. Criteria: Invitae Variant Classification Sherloc (09022015). Collection method: clinical testing. Allele origin: germline.

Ambry Genetics
Classification: Uncertain significance for Inborn genetic diseases. Last evaluated: 2025-12-16. Review status: criteria provided, single submitter. Criteria: Ambry Variant Classification Scheme 2023. Collection method: clinical testing. Allele origin: germline.

NM_001100913.3(PACS2):c.1901C>T (p.Thr634Met)

Gene: PACS2 (phosphofurin acidic cluster sorting protein 2; plus strand). Cytogenetic location: 14q32.33.
Variant type: single nucleotide variant.
Coding change: c.1901C>T on transcript NM_001100913.3 (MANE Select); coding-DNA position 1901, C replaced by T.
Protein change: p.Thr634Met; replaces threonine 634 with methionine.
Molecular consequence: missense variant.
Genome position (GRCh38, 1-based): chr14:105,384,888, C>T. VCF-style: chr14-105384888-C-T. GRCh37 (hg19) VCF-style: chr14-105851225-C-T.
Other names: c.1901C>T (NM_001100913.2); c.1664C>T, p.Thr555Met (NM_001243127.3); c.1889C>T, p.Thr630Met (NM_015197.4); short protein forms T555M, T630M, T634M.
Identifiers: ClinVar variation 1587273 (VCV001587273.11), dbSNP rs376311769, ClinGen allele CA7389062.
Genomic context (GRCh38, chr14:105,384,888, plus strand): 5'-GCAACCCCACCTGGCACCAGCCTAACCCCCCACCGCCTCCTCCCCCTGCAGTACAGGACA[C>T]GCCAGACATTGTGTCACGCATCACGCAGTACATCGCAGGGGCCAACTGTGCCCACCAGCT-3'
Protein context (NP_001094383.2, residues 624-644): KLEAQSAVQD[Thr634Met]PDIVSRITQY